The following is an entry in ClinVar:

ClinVar aggregate classification (germline): Benign (1 of 4 stars; one submission).

Conditions:
MELAS syndrome (MELAS). Also called: Juvenile myopathy, encephalopathy, lactic acidosis, stroke. Identifiers: Orphanet 550, MedGen C0162671, MONDO:0010789, OMIM 540000.

Submission:

Wong Mito Lab, Molecular and Human Genetics, Baylor College of Medicine
Classification: Benign for MELAS syndrome. Last evaluated: 2019-07-12. Review status: criteria provided, single submitter. Criteria: Modified ACMG Guidelines (Unpublished). Collection method: clinical testing. Allele origin: germline.
Comment: The NC_012920.1:m.606A>G variant in MT-TF gene is interpreted to be a Benign variant based on the modified ACMG guidelines (unpublished). This variant meets the following evidence codes reported in the guidelines: BS1, BS4, PP3

Literature cited by the submitters: PubMed 31965079; PubMed 12943225.

NC_012920.1(MT-TF):m.606A>G

Gene: MT-TF (mitochondrially encoded tRNA phenylalanine; plus strand).
Variant type: single nucleotide variant.
Genome position: chrM-606-A-G.
Identifiers: ClinVar variation 689817 (VCV000689817.1), dbSNP rs200056066, ClinGen allele CA337095916.
Genomic context (GRCh38, chrMT:606, plus strand): 5'-AACCAACCAAACCCCAAAGACACCCCCCACAGTTTATGTAGCTTACCTCCTCAAAGCAAT[A>G]CACTGAAAATGTTTAGACGGGCTCACATCACCCCATAAACAAATAGGTTTGGTCCTAGCC-3'